The following is an entry in ClinVar:

NM_000238.4(KCNH2):c.3112G>A (p.Val1038Met)

Gene: KCNH2 (potassium voltage-gated channel subfamily H member 2; minus strand). Cytogenetic location: 7q36.1.
Variant type: single nucleotide variant.
Coding change: c.3112G>A on transcript NM_000238.4 (MANE Select); coding-DNA position 3112, G replaced by A.
Protein change: p.Val1038Met; replaces valine 1038 with methionine.
Molecular consequence: missense variant.
Genome position (GRCh38, 1-based): chr7:150,947,368, C>T on the plus strand (G>A on the coding strand, the complement: KCNH2 is on the minus strand). VCF-style: chr7-150947368-C-T. GRCh37 (hg19) VCF-style: chr7-150644456-C-T.
Other names: p.V1038M:GTG>ATG; c.3112G>A (LRG_288t1); c.2092G>A, p.Val698Met (NM_172057.3); short protein forms V1038M, V698M.
Identifiers: ClinVar variation 67471 (VCV000067471.28), dbSNP rs199473544, ClinGen allele CA007991.

ClinVar aggregate classification (germline): Conflicting classifications of pathogenicity. Review status: criteria provided, conflicting classifications (1 of 4 stars). 10 submissions from 10 submitters: Uncertain significance (2); Benign (2); Likely benign (4). 2 of the submissions do not count toward it. Last evaluated 2025-12-24.

Conditions:
Cardiovascular phenotype. Identifiers: MedGen CN230736.
KCNH2-related disorder. Also called: KCNH2-related disorders; KCNH2-related condition.
Cardiac arrhythmia. Also called: Arrhythmia; Cardiac rhythm disease. Identifiers: MedGen C0003811, MONDO:0007263, HP:0011675.
Familial long QT syndrome (RWS). Also called: Congenital long QT syndrome; Romano-Ward syndrome; VENTRICULAR FIBRILLATION WITH PROLONGED QT INTERVAL. Identifiers: Orphanet 768, MedGen C1141890, MONDO:0019171.
Long QT syndrome (LQTS). Identifiers: MedGen C0023976, MeSH D008133, MONDO:0002442. Disease mechanism: loss of function. Inheritance: Various modes of inheritance.
Long QT syndrome 2 (LQT2). Identifiers: Orphanet 101016, Orphanet 768, MedGen C3150943, MONDO:0013367, OMIM 613688.

Allele frequency attached by ClinVar (database versions not stated): TOPMed 0.00014; gnomAD 0.00006.
gnomAD v4.1: 58 of 1,546,754 alleles (0.0037%); highest among the groups gnomAD compares: East Asian, 0.049%; no homozygotes.

Submissions (10):

Labcorp Genetics (formerly Invitae), Labcorp
Classification: Likely benign for Long QT syndrome. Last evaluated: 2025-12-24. Review status: criteria provided, single submitter. Criteria: Invitae Variant Classification Sherloc (09022015). Collection method: clinical testing. Allele origin: germline.

Mayo Clinic Laboratories, Mayo Clinic
Classification: Likely benign. Last evaluated: 2025-05-28. Review status: criteria provided, single submitter. Criteria: ACMG Guidelines, 2015. Collection method: clinical testing. Allele origin: germline. Observed: 1 variant allele.
Comment: BS1

All of Us Research Program, National Institutes of Health
Classification: Uncertain significance for Long QT syndrome. Last evaluated: 2024-09-23. Review status: criteria provided, single submitter. Criteria: ACMG Guidelines, 2015. Collection method: clinical testing. Allele origin: germline. Inheritance: Autosomal dominant inheritance. Observed: 18 variant alleles, 18 heterozygotes.
Comment: This missense variant replaces valine with methionine at codon 1038 of the KCNH2 protein. Computational prediction tools and conservation analyses are inconclusive regarding the impact of this variant on protein structure and function. To our knowledge, functional studies have not been performed for this variant. This variant has been reported in an individual suspected of having long QT testing (PMID: 19716085). This variant has been identified in 20/175942 chromosomes in the general population by the Genome Aggregation Database (gnomAD). The relatively high frequency of this variant in the general population suggests that this variant is unlikely to be disease-causing. However, additional studies are necessary to determine the role of this variant in disease conclusively. Therefore, this variant is classified as a Variant of Uncertain Significance.

This study involves interpretation of variants in research participants for the purpose of population health screening. Participant phenotype was not available at the time of variant classification. Additional details can be found in publication PMID: 35346344, PMCID: PMC8962531

Color Diagnostics, LLC DBA Color Health
Classification: Uncertain significance for Cardiac arrhythmia. Last evaluated: 2024-02-15. Review status: criteria provided, single submitter. Criteria: ACMG Guidelines, 2015. Collection method: clinical testing. Allele origin: germline.
Comment: This missense variant replaces valine with methionine at codon 1038 of the KCNH2 protein. Computational prediction tools and conservation analyses are inconclusive regarding the impact of this variant on protein structure and function. To our knowledge, functional studies have not been performed for this variant. This variant has been reported in an individual suspected of having long QT testing (PMID: 19716085). This variant has been identified in 20/175942 chromosomes in the general population by the Genome Aggregation Database (gnomAD). The relatively high frequency of this variant in the general population suggests that this variant is unlikely to be disease-causing. However, additional studies are necessary to determine the role of this variant in disease conclusively. Therefore, this variant is classified as a Variant of Uncertain Significance.

Ambry Genetics
Classification: Benign for Cardiovascular phenotype. Last evaluated: 2023-09-29. Review status: criteria provided, single submitter. Criteria: Ambry Variant Classification Scheme 2023. Collection method: clinical testing. Allele origin: germline.

Mendelics
Classification: Benign for Long QT syndrome 2. Last evaluated: 2023-08-22. Review status: criteria provided, single submitter. Criteria: Mendelics Assertion Criteria 2019. Collection method: clinical testing. Allele origin: germline.

Women's Health and Genetics/Laboratory Corporation of America, LabCorp
Classification: Likely benign. Last evaluated: 2021-12-19. Review status: criteria provided, single submitter. Criteria: LabCorp Variant Classification Summary - May 2015. Collection method: clinical testing. Allele origin: germline.

GeneDx
Classification: Likely benign. Last evaluated: 2021-05-28. Review status: criteria provided, single submitter. Criteria: GeneDx Variant Classification Process June 2021. Collection method: clinical testing. Allele origin: germline. Affected: yes.
Comment: This variant is associated with the following publications: (PMID: 19716085, 28988457)

PreventionGenetics, part of Exact Sciences
Classification: Likely benign for KCNH2-related condition. Last evaluated: 2023-10-12. Review status: no assertion criteria provided. Collection method: clinical testing. Allele origin: germline. Not counted in ClinVar's aggregate classification.
Comment: This variant is classified as likely benign based on ACMG/AMP sequence variant interpretation guidelines (Richards et al. 2015 PMID: 25741868, with internal and published modifications).

Cardiovascular Biomedical Research Unit, Royal Brompton & Harefield NHS Foundation Trust
No classification provided. Condition: Familial long QT syndrome. Review status: no classification provided. Collection method: literature only. Allele origin: germline. Not counted in ClinVar's aggregate classification.
Comment: This variant has been reported as associated with Long QT syndrome in the following publications (PMID:19716085). This is a literature report, and does not necessarily reflect the clinical interpretation of the Imperial College / Royal Brompton Cardiovascular Genetics laboratory.

Literature cited by the submitters: PubMed 19716085 (cited by 5 submitters); PubMed 28988457 (cited by Ambry Genetics); PubMed 22581653 (cited by Cardiovascular Biomedical Research Unit, Royal Brompton & Harefield NHS Foundation Trust).